The following is an entry in ClinVar:

ClinVar aggregate classification (germline): Likely pathogenic (1 of 4 stars; one submission).

Conditions:
Hereditary angioedema type 1 (HAE1). Identifiers: Orphanet 100050, Orphanet 100051, Orphanet 91378, MedGen C2717906, MONDO:0015053, OMIM 106100.

Submission:

DNA-diagnostics Laboratory, Research Centre For Medical Genetics
Classification: Likely pathogenic for Hereditary angioedema type 1. Last evaluated: 2024-07-28. Review status: criteria provided, single submitter. Criteria: ACMG Guidelines, 2015. Collection method: research. Allele origin: germline. Inheritance: Autosomal dominant inheritance. Affected: yes. Observed: 1 heterozygote.
Comment: According to our observation the c.1412T>C variant in SERPING1 meets ACMG/ClinGen SVI guidance criteria to be classified as likely pathogenic: PP4_Str, PM2_Sup, PP2, PP3

NM_000062.3(SERPING1):c.1412T>C (p.Phe471Ser)

Gene: SERPING1 (serpin family G member 1; plus strand). Cytogenetic location: 11q12.1.
Variant type: single nucleotide variant.
Coding change: c.1412T>C on transcript NM_000062.3 (MANE Select); coding-DNA position 1412, T replaced by C.
Protein change: p.Phe471Ser; replaces phenylalanine 471 with serine.
Molecular consequence: missense variant.
Genome position (GRCh38, 1-based): chr11:57,614,490, T>C. VCF-style: chr11-57614490-T-C. GRCh37 (hg19) VCF-style: chr11-57381963-T-C.
Other names: c.1412T>C, p.Phe471Ser (NM_001032295.2); short protein forms F471S.
Identifiers: ClinVar variation 3256141 (VCV003256141.2).
Genomic context (GRCh38, chr11:57,614,490, plus strand): 5'-AGACTGGGGTGGAGGCGGCTGCAGCCTCCGCCATCTCTGTGGCCCGCACCCTGCTGGTCT[T>C]TGAAGTGCAGCAGCCCTTCCTCTTCGTGCTCTGGGACCAGCAGCACAAGTTCCCTGTCTT-3'
Protein context (NP_000053.2, residues 461-481): AISVARTLLV[Phe471Ser]EVQQPFLFVL